The following is an entry in ClinVar:

ClinVar aggregate classification (germline): Uncertain significance (1 of 4 stars; one submission).

Conditions:
Inborn genetic diseases. Identifiers: MedGen C0950123, MeSH D030342.

Submission:

Ambry Genetics
Classification: Uncertain significance for Inborn genetic diseases. Last evaluated: 2026-07-27. Review status: criteria provided, single submitter. Criteria: Ambry Variant Classification Scheme 2023. Collection method: clinical testing. Allele origin: germline.
Comment: The p.Q740K variant (also known as c.2218C>A), located in coding exon 13 of the FANCM gene, results from a C to A substitution at nucleotide position 2218. The glutamine at codon 740 is replaced by lysine, an amino acid with similar properties. This amino acid position is conserved. In addition, this alteration is predicted to be tolerated by in silico analysis. Based on the available evidence, the clinical significance of this variant remains unclear.

NM_020937.4(FANCM):c.2218C>A (p.Gln740Lys)

Gene: FANCM (FA complementation group M; plus strand). Cytogenetic location: 14q21.2.
Variant type: single nucleotide variant.
Coding change: c.2218C>A on transcript NM_020937.4 (MANE Select); coding-DNA position 2218, C replaced by A.
Protein change: p.Gln740Lys; replaces glutamine 740 with lysine.
Molecular consequence: missense variant.
Genome position (GRCh38, 1-based): chr14:45,173,112, C>A. VCF-style: chr14-45173112-C-A. GRCh37 (hg19) VCF-style: chr14-45642315-C-A.
Other names: c.2140C>A, p.Gln714Lys (NM_001308133.2); short protein forms Q714K, Q740K.
Identifiers: ClinVar variation 5036649 (VCV005036649.1).
Genomic context (GRCh38, chr14:45,173,112, plus strand): 5'-AAGGCTCAAGAATCAACCACTGGAATTCATCAACTCTCTCTCTCTGAATGGAGACTGTGG[C>A]AAGATCATCCTTTGCCTACACATCAAGTTGATCACTCAGATCGATGCCGCCATTTTATAG-3'
Protein context (NP_065988.1, residues 730-750): QLSLSEWRLW[Gln740Lys]DHPLPTHQVD